The following is an entry in ClinVar:

ClinVar aggregate classification (germline): Uncertain significance. Review status: criteria provided, multiple submitters, no conflicts (2 of 4 stars). 3 submissions from 3 submitters: Uncertain significance (3). Last evaluated 2025-11-17.

Conditions:
Charcot-Marie-Tooth disease axonal type 2O. Also called: Charcot-Marie-Tooth disease, axonal, type 20; Charcot-Marie-Tooth Neuropathy Type 2O; CHARCOT-MARIE-TOOTH NEUROPATHY, AXONAL, TYPE 2O; CHARCOT-MARIE-TOOTH DISEASE, AXONAL, AUTOSOMAL DOMINANT, TYPE 2O. Identifiers: Orphanet 284232, MedGen C3280220, MONDO:0013644, OMIM 614228.

Allele frequency attached by ClinVar (database versions not stated): gnomAD exomes below 0.00001.
gnomAD v4.1: 1 of 1,614,108 alleles (0.000062%); highest among the groups gnomAD compares: Non-Finnish European, 0.000085%; no homozygotes.

Submissions (3):

Labcorp Genetics (formerly Invitae), Labcorp
Classification: Uncertain significance for Charcot-Marie-Tooth disease axonal type 2O. Last evaluated: 2025-11-17. Review status: criteria provided, single submitter. Criteria: Invitae Variant Classification Sherloc (09022015). Collection method: clinical testing. Allele origin: germline.
Comment: This sequence change replaces tyrosine, which is neutral and polar, with histidine, which is basic and polar, at codon 1283 of the DYNC1H1 protein (p.Tyr1283His). This variant is not present in population databases (gnomAD no frequency). This variant has not been reported in the literature in individuals affected with DYNC1H1-related conditions. ClinVar contains an entry for this variant (Variation ID: 1308801). Invitae Evidence Modeling of protein sequence and biophysical properties (such as structural, functional, and spatial information, amino acid conservation, physicochemical variation, residue mobility, and thermodynamic stability) has been performed for this missense variant. However, the output from this modeling did not meet the statistical confidence thresholds required to predict the impact of this variant on DYNC1H1 protein function. In summary, the available evidence is currently insufficient to determine the role of this variant in disease. Therefore, it has been classified as a Variant of Uncertain Significance.

CeGaT Center for Human Genetics Tuebingen
Classification: Uncertain significance. Last evaluated: 2022-09-01. Review status: criteria provided, single submitter. Criteria: CeGaT Center For Human Genetics Tuebingen Variant Classification Criteria Version 2. Collection method: clinical testing. Allele origin: germline. Affected: yes. Observed: 1 variant allele.
Comment: DYNC1H1: PM2, PP2

GeneDx
Classification: Uncertain significance. Last evaluated: 2019-10-02. Review status: criteria provided, single submitter. Criteria: GeneDx Variant Classification Process June 2021. Collection method: clinical testing. Allele origin: germline. Affected: yes.
Comment: Not observed in large population cohorts (Lek et al., 2016); In silico analysis, which includes protein predictors and evolutionary conservation, supports a deleterious effect; Has not been previously published as pathogenic or benign to our knowledge

NM_001376.5(DYNC1H1):c.3847T>C (p.Tyr1283His)

Gene: DYNC1H1 (dynein cytoplasmic 1 heavy chain 1; plus strand). Cytogenetic location: 14q32.31.
Variant type: single nucleotide variant.
Coding change: c.3847T>C on transcript NM_001376.5 (MANE Select); coding-DNA position 3847, T replaced by C.
Protein change: p.Tyr1283His; replaces tyrosine 1283 with histidine.
Molecular consequence: missense variant.
Genome position (GRCh38, 1-based): chr14:102,000,031, T>C. VCF-style: chr14-102000031-T-C. GRCh37 (hg19) VCF-style: chr14-102466368-T-C.
Other names: short protein forms Y1283H.
Identifiers: ClinVar variation 1308801 (VCV001308801.29), dbSNP rs2141285009, ClinGen allele CA391038226.